The following is an entry in ClinVar:

NM_020631.6(PLEKHG5):c.795+8G>A

Gene: PLEKHG5 (pleckstrin homology and RhoGEF domain containing G5; minus strand). Cytogenetic location: 1p36.31.
Variant type: single nucleotide variant.
Coding change: c.795+8G>A on transcript NM_020631.6 (MANE Select); 8 bases into the intron after coding-DNA position 795, G replaced by A.
Molecular consequence: intron variant.
Genome position (GRCh38, 1-based): chr1:6,473,243, C>T on the plus strand (G>A on the coding strand, the complement: PLEKHG5 is on the minus strand). VCF-style: chr1-6473243-C-T. GRCh37 (hg19) VCF-style: chr1-6533303-C-T.
Other names: p.?; c.795+8G>A (NM_198681.4, NM_001265594.3, NM_001042664.2 and 2 more transcripts); c.906+8G>A (NM_001042663.3, NM_001265592.2); c.1002+8G>A (NM_001265593.2).
Identifiers: ClinVar variation 297967 (VCV000297967.18), dbSNP rs114275646, ClinGen allele CA561755.

ClinVar aggregate classification (germline): Benign. Review status: criteria provided, multiple submitters, no conflicts (2 of 4 stars). 5 submissions from 5 submitters: Benign (5). Last evaluated 2026-01-31.

Conditions:
Neuronopathy, distal hereditary motor, autosomal recessive 4. Also called: Autosomal recessive lower motor neuron disease with childhood onset; NEUROPATHY, DISTAL HEREDITARY MOTOR, AUTOSOMAL RECESSIVE 4. Identifiers: Orphanet 206580, MedGen C1970211, MONDO:0012608, OMIM 611067.
Charcot-Marie-Tooth disease recessive intermediate C. Also called: CHARCOT-MARIE-TOOTH NEUROPATHY, RECESSIVE INTERMEDIATE C. Identifiers: Orphanet 369867, MedGen C3809309, MONDO:0014154, OMIM 615376.

Allele frequency attached by ClinVar (database versions not stated): gnomAD exomes 0.00104 and 0.00268; ExAC 0.00405; gnomAD 0.01076 and 0.01154; ESP Exome Variant Server 0.01138; 1000 Genomes Project 0.01158; TOPMed 0.01218; 1000 Genomes Project 30x 0.01359.
gnomAD v4.1: 3,195 of 1,612,220 alleles (0.2%); highest among the groups gnomAD compares: African/African-American, 3.7%; 61 homozygotes.

Submissions (5):

Labcorp Genetics (formerly Invitae), Labcorp
Classification: Benign for Neuronopathy, distal hereditary motor, autosomal recessive 4; Charcot-Marie-Tooth disease recessive intermediate C. Last evaluated: 2026-01-31. Review status: criteria provided, single submitter. Criteria: Invitae Variant Classification Sherloc (09022015). Collection method: clinical testing. Allele origin: germline.

ARUP Laboratories, Molecular Genetics and Genomics, ARUP Laboratories
Classification: Benign. Last evaluated: 2024-08-02. Review status: criteria provided, single submitter. Criteria: ARUP Molecular Germline Variant Investigation Process 2024. Collection method: clinical testing. Allele origin: germline.

Illumina Laboratory Services, Illumina
Classification: Benign for Neuronopathy, distal hereditary motor, autosomal recessive 4. Last evaluated: 2018-01-12. Review status: criteria provided, single submitter. Criteria: ICSL Variant Classification Criteria 13 December 2019. Collection method: clinical testing. Allele origin: germline.
Comment: This variant was observed in the ICSL laboratory as part of a predisposition screen in an ostensibly healthy population. It had not been previously curated by ICSL or reported in the Human Gene Mutation Database (HGMD: prior to June 1st, 2018), and was therefore a candidate for classification through an automated scoring system. Utilizing variant allele frequency, disease prevalence and penetrance estimates, and inheritance mode, an automated score was calculated to assess if this variant is too frequent to cause the disease. Based on the score and internal cut-off values, a variant classified as benign is not then subjected to further curation. The score for this variant resulted in a classification of benign for this disease.

Mayo Clinic Laboratories, Mayo Clinic
Classification: Benign. Last evaluated: 2017-07-21. Review status: criteria provided, single submitter. Criteria: ACMG Guidelines, 2015. Collection method: clinical testing. Allele origin: germline. Observed: 18 variant alleles.

GeneDx
Classification: Benign. Last evaluated: 2016-01-25. Review status: criteria provided, single submitter. Criteria: GeneDx Variant Classification (06012015). Collection method: clinical testing. Allele origin: germline. Affected: yes.
Comment: This variant is considered likely benign or benign based on one or more of the following criteria: it is a conservative change, it occurs at a poorly conserved position in the protein, it is predicted to be benign by multiple in silico algorithms, and/or has population frequency not consistent with disease.